The following is an entry in ClinVar:

ClinVar aggregate classification (germline): Uncertain significance. Review status: criteria provided, multiple submitters, no conflicts (2 of 4 stars). 4 submissions from 4 submitters: Uncertain significance (4). Last evaluated 2024-05-26.

Conditions:
Familial adenomatous polyposis 1 (FAP1). Also called: FAMILIAL ADENOMATOUS POLYPOSIS 1, ATTENUATED; POLYPOSIS, ADENOMATOUS INTESTINAL. Identifiers: MedGen C2713442, MONDO:0021056, OMIM 175100. Disease mechanism: loss of function.
Classic or attenuated familial adenomatous polyposis. Identifiers: MedGen CN372698, MONDO:0021057.
Hereditary cancer-predisposing syndrome. Also called: Neoplastic Syndromes, Hereditary; Tumor predisposition; Hereditary Cancer Syndrome; Hereditary neoplastic syndrome. Identifiers: Orphanet 140162, MedGen C0027672, MeSH D009386, MONDO:0015356.

Submissions (4):

Labcorp Genetics (formerly Invitae), Labcorp
Classification: Uncertain significance for Familial adenomatous polyposis 1. Last evaluated: 2024-05-26. Review status: criteria provided, single submitter. Criteria: Invitae Variant Classification Sherloc (09022015). Collection method: clinical testing. Allele origin: germline.
Comment: This sequence change replaces asparagine, which is neutral and polar, with serine, which is neutral and polar, at codon 827 of the APC protein (p.Asn827Ser). This variant is not present in population databases (gnomAD no frequency). This variant has not been reported in the literature in individuals affected with APC-related conditions. ClinVar contains an entry for this variant (Variation ID: 821332). Advanced modeling of protein sequence and biophysical properties (such as structural, functional, and spatial information, amino acid conservation, physicochemical variation, residue mobility, and thermodynamic stability) performed at Invitae indicates that this missense variant is not expected to disrupt APC protein function with a negative predictive value of 95%. In summary, the available evidence is currently insufficient to determine the role of this variant in disease. Therefore, it has been classified as a Variant of Uncertain Significance.

Ambry Genetics
Classification: Uncertain significance for Hereditary cancer-predisposing syndrome. Last evaluated: 2023-05-18. Review status: criteria provided, single submitter. Criteria: Ambry Variant Classification Scheme 2023. Collection method: clinical testing. Allele origin: germline.
Comment: The p.N827S variant (also known as c.2480A>G), located in coding exon 15 of the APC gene, results from an A to G substitution at nucleotide position 2480. The asparagine at codon 827 is replaced by serine, an amino acid with highly similar properties. This amino acid position is highly conserved in available vertebrate species. In addition, in silico predictors for this gene do not accurately predict pathogenicity. Since supporting evidence is limited at this time, the clinical significance of this alteration remains unclear.

All of Us Research Program, National Institutes of Health
Classification: Uncertain significance for Classic or attenuated familial adenomatous polyposis. Last evaluated: 2023-03-23. Review status: criteria provided, single submitter. Criteria: ACMG Guidelines, 2015. Collection method: clinical testing. Allele origin: germline. Inheritance: Autosomal dominant inheritance. Observed: 1 variant allele, 1 heterozygote.
Comment: This missense variant replaces asparagine with serine at codon 827 of the APC protein. Computational prediction suggests that this variant may not impact protein structure and function (internally defined REVEL score threshold <= 0.5, PMID: 27666373). To our knowledge, functional studies have not been reported for this variant. This variant has not been reported in individuals affected with APC-related disorders in the literature. This variant has not been identified in the general population by the Genome Aggregation Database (gnomAD). The available evidence is insufficient to determine the role of this variant in disease conclusively. Therefore, this variant is classified as a Variant of Uncertain Significance.

This study involves interpretation of variants in research participants for the purpose of population health screening. Participant phenotype was not available at the time of variant classification. Additional details can be found in publication PMID: 35346344, PMCID: PMC8962531

Institute for Clinical Genetics, University Hospital TU Dresden, University Hospital TU Dresden
Classification: Uncertain significance. Last evaluated: 2021-11-03. Review status: criteria provided, single submitter. Criteria: ACMG Guidelines, 2015. Collection method: clinical testing. Allele origin: germline.

NM_000038.6(APC):c.2480A>G (p.Asn827Ser)

Gene: APC (APC regulator of Wnt signaling pathway; plus strand). Cytogenetic location: 5q22.2.
Variant type: single nucleotide variant.
Coding change: c.2480A>G on transcript NM_000038.6 (MANE Select); coding-DNA position 2480, A replaced by G.
Protein change: p.Asn827Ser; replaces asparagine 827 with serine.
Molecular consequence: missense variant.
Genome position (GRCh38, 1-based): chr5:112,838,074, A>G. VCF-style: chr5-112838074-A-G. GRCh37 (hg19) VCF-style: chr5-112173771-A-G.
Other names: c.2480A>G, p.Asn827Ser (NM_001127510.3, NM_001354895.2); c.2426A>G, p.Asn809Ser (NM_001127511.3); c.2534A>G, p.Asn845Ser (NM_001354896.2); c.2510A>G, p.Asn837Ser (NM_001354897.2); c.2405A>G, p.Asn802Ser (NM_001354898.2); c.2396A>G, p.Asn799Ser (NM_001354899.2); c.2357A>G, p.Asn786Ser (NM_001354900.2); c.2303A>G, p.Asn768Ser (NM_001354901.2); and 5 more; short protein forms N544S, N768S, N809S, N802S, N837S, N701S, N799S, N827S.
Identifiers: ClinVar variation 821332 (VCV000821332.16), dbSNP rs1580622781, ClinGen allele CA16026776.
Genomic context (GRCh38, chr5:112,838,074, plus strand): 5'-ATGATAATAGGTCAGACAATTTTAATACTGGCAACATGACTGTCCTTTCACCATATTTGA[A>G]TACTACAGTGTTACCCAGCTCCTCTTCATCAAGAGGAAGCTTAGATAGTTCTCGTTCTGA-3'
Protein context (NP_000029.2, residues 817-837): GNMTVLSPYL[Asn827Ser]TTVLPSSSSS